The following is an entry in ClinVar:

ClinVar aggregate classification (germline): Uncertain significance (1 of 4 stars; one submission).

Conditions:
Fanconi anemia (FA). Also called: Fanconi's anemia. Identifiers: Orphanet 84, MedGen C0015625, MeSH D005199, MONDO:0019391.

Submission:

Labcorp Genetics (formerly Invitae), Labcorp
Classification: Uncertain significance for Fanconi anemia. Last evaluated: 2024-01-12. Review status: criteria provided, single submitter. Criteria: Invitae Variant Classification Sherloc (09022015). Collection method: clinical testing. Allele origin: germline.
Comment: This sequence change replaces lysine, which is basic and polar, with glutamic acid, which is acidic and polar, at codon 331 of the FANCM protein (p.Lys331Glu). This variant is not present in population databases (gnomAD no frequency). This variant has not been reported in the literature in individuals affected with FANCM-related conditions. An algorithm developed to predict the effect of missense changes on protein structure and function (PolyPhen-2) suggests that this variant is likely to be disruptive. In summary, the available evidence is currently insufficient to determine the role of this variant in disease. Therefore, it has been classified as a Variant of Uncertain Significance.

NM_020937.4(FANCM):c.991A>G (p.Lys331Glu)

Gene: FANCM (FA complementation group M; plus strand). Cytogenetic location: 14q21.2.
Variant type: single nucleotide variant.
Coding change: c.991A>G on transcript NM_020937.4 (MANE Select); coding-DNA position 991, A replaced by G.
Protein change: p.Lys331Glu; replaces lysine 331 with glutamic acid.
Molecular consequence: missense variant.
Genome position (GRCh38, 1-based): chr14:45,151,469, A>G. VCF-style: chr14-45151469-A-G. GRCh37 (hg19) VCF-style: chr14-45620672-A-G.
Other names: c.913A>G, p.Lys305Glu (NM_001308133.2); c.991A>G, p.Lys331Glu (NM_001308134.2); short protein forms K305E, K331E.
Identifiers: ClinVar variation 2738016 (VCV002738016.3), dbSNP rs2503093113, ClinGen allele CA389590624.